The following is an entry in ClinVar:

NM_032119.4(ADGRV1):c.17613G>A (p.Gln5871=)

Gene: ADGRV1 (adhesion G protein-coupled receptor V1; plus strand). Cytogenetic location: 5q14.3.
Variant type: single nucleotide variant.
Coding change: c.17613G>A on transcript NM_032119.4 (MANE Select); coding-DNA position 17613, G replaced by A.
Protein change: p.Gln5871=; no amino-acid change (glutamine 5871 retained).
Molecular consequence: synonymous variant. On other transcripts: non-coding transcript variant (1).
Genome position (GRCh38, 1-based): chr5:90,855,759, G>A. VCF-style: chr5-90855759-G-A. GRCh37 (hg19) VCF-style: chr5-90151576-G-A.
Identifiers: ClinVar variation 497241 (VCV000497241.20), dbSNP rs371091564, ClinGen allele CA3342404.

ClinVar aggregate classification (germline): Conflicting classifications of pathogenicity. Review status: criteria provided, conflicting classifications (1 of 4 stars). 5 submissions from 5 submitters: Uncertain significance (1); Likely benign (4). Last evaluated 2026-01-20.

Conditions:
ADGRV1-related disorder. Also called: ADGRV1-related condition; ADGRV1-related disorders.

Allele frequency attached by ClinVar (database versions not stated): ExAC 0.00005; gnomAD exomes 0.00005; gnomAD 0.00015 and 0.00016; 1000 Genomes Project 30x 0.00016; ESP Exome Variant Server 0.00017; TOPMed 0.00018; 1000 Genomes Project 0.00020.
gnomAD v4.1: 55 of 1,588,020 alleles (0.0035%); highest among the groups gnomAD compares: African/African-American, 0.057%; no homozygotes.

Submissions (5):

Labcorp Genetics (formerly Invitae), Labcorp
Classification: Likely benign. Last evaluated: 2026-01-20. Review status: criteria provided, single submitter. Criteria: Invitae Variant Classification Sherloc (09022015). Collection method: clinical testing. Allele origin: germline.

PreventionGenetics, part of Exact Sciences
Classification: Likely benign for ADGRV1-related condition. Last evaluated: 2025-09-03. Review status: criteria provided, single submitter. Criteria: ACMG Guidelines, 2015. Collection method: clinical testing. Allele origin: germline.
Comment: This variant is classified as likely benign based on ACMG/AMP sequence variant interpretation guidelines (Richards et al. 2015 PMID: 25741868, with internal and published modifications).

Blueprint Genetics
Classification: Likely benign. Last evaluated: 2022-07-25. Review status: criteria provided, single submitter. Criteria: ACMG Guidelines, 2015. Collection method: clinical testing. Allele origin: germline.

Laboratory for Molecular Medicine, Mass General Brigham Personalized Medicine
Classification: Likely benign. Last evaluated: 2017-08-23. Review status: criteria provided, single submitter. Criteria: LMM Criteria. Collection method: clinical testing. Allele origin: germline. Observed: 2 variant alleles.
Comment: p.Gln5871Gln in exon 82 of GPR98: This variant is not expected to have clinical significance because it does not alter an amino acid residue and is not located within the splice consensus sequence. It has been identified in 0.03% (3/9740) o f African chromosomes by the Exome Aggregation Consortium (ExAC; dbSNP rs371091564).

Eurofins Ntd Llc (ga)
Classification: Uncertain significance. Last evaluated: 2016-09-30. Review status: criteria provided, single submitter. Criteria: EGL Classification Definitions 2015. Collection method: clinical testing. Allele origin: germline. Observed: 1 variant allele, 1 heterozygote.